The following is an entry in ClinVar:

ClinVar aggregate classification (germline): Pathogenic/Likely pathogenic. Review status: criteria provided, multiple submitters, no conflicts (2 of 4 stars). 2 submissions from 2 submitters: Pathogenic (1); Likely pathogenic (1). Last evaluated 2025-11-20.

Conditions:
Charcot-Marie-Tooth disease axonal type 2P. Also called: CHARCOT-MARIE-TOOTH DISEASE, AXONAL, TYPE 2G; CMT 2G; CHARCOT-MARIE-TOOTH NEUROPATHY, TYPE 2P; Charcot-Marie-Tooth Neuropathy Type 2G. Identifiers: Orphanet 300319, Orphanet 99941, MedGen C3280797, MONDO:0013753, OMIM 614436.

Submissions (2):

Labcorp Genetics (formerly Invitae), Labcorp
Classification: Pathogenic for Charcot-Marie-Tooth disease axonal type 2P. Last evaluated: 2025-11-20. Review status: criteria provided, single submitter. Criteria: Invitae Variant Classification Sherloc (09022015). Collection method: clinical testing. Allele origin: germline.
Comment: This sequence change creates a premature translational stop signal (p.Gln653Profs*5) in the LRSAM1 gene. It is expected to result in an absent or disrupted protein product. Loss-of-function variants in LRSAM1 are known to be pathogenic (PMID: 20865121, 33414056). This variant is present in population databases (rs775965001, gnomAD 0.0009%). This variant has not been reported in the literature in individuals affected with LRSAM1-related conditions. ClinVar contains an entry for this variant (Variation ID: 639489). For these reasons, this variant has been classified as Pathogenic.

Revvity Omics, Revvity
Classification: Likely pathogenic for Charcot-Marie-Tooth disease axonal type 2P. Last evaluated: 2025-02-06. Review status: criteria provided, single submitter. Criteria: ACMG Guidelines, 2015. Collection method: clinical testing. Allele origin: germline.

Literature cited by the submitters: PubMed 20865121 (cited by Labcorp Genetics (formerly Invitae), Labcorp); PubMed 33414056 (cited by Labcorp Genetics (formerly Invitae), Labcorp).

NM_001005373.4(LRSAM1):c.1957dup (p.Gln653fs)

Gene: LRSAM1 (leucine rich repeat and sterile alpha motif containing 1; plus strand). Cytogenetic location: 9q34.11.
Variant type: Duplication.
Coding change: c.1957dup on transcript NM_001005373.4 (MANE Select); coding-DNA position 1957, one base duplicated (C; older notation c.1957dupC).
Protein change: p.Gln653fs; shifts the reading frame from glutamine 653.
Molecular consequence: frameshift variant. On other transcripts: non-coding transcript variant (2).
Genome position (GRCh38, 1-based): chr9:127,501,054, C duplicated; the last of 6 consecutive C bases (chr9:127,501,049-127,501,054); duplicating any one gives the same sequence. VCF-style (leftmost placement, unchanged base first): chr9-127501048-G-GC. GRCh37 (hg19) VCF-style: chr9-130263327-G-GC.
Other names: c.1957dup, p.Gln653fs (NM_001005374.4, NM_001384142.1, NM_138361.5); c.1876dup, p.Gln626fs (NM_001190723.3); c.1858dup, p.Gln620fs (NM_001384143.1); c.1168dup, p.Gln390fs (NM_001384144.1); c.1957dupC (NM_138361.5); short protein forms Q626fs, Q653fs, Q390fs, Q620fs.
Identifiers: ClinVar variation 639489 (VCV000639489.7), dbSNP rs775965001, ClinGen allele CA5247211.